The following is an entry in ClinVar:

NM_001754.5(RUNX1):c.1106C>G (p.Ser369Trp)

Gene: RUNX1 (RUNX family transcription factor 1; minus strand). Cytogenetic location: 21q22.12.
Variant type: single nucleotide variant.
Coding change: c.1106C>G on transcript NM_001754.5 (MANE Select); coding-DNA position 1106, C replaced by G.
Protein change: p.Ser369Trp; replaces serine 369 with tryptophan.
Molecular consequence: missense variant.
Genome position (GRCh38, 1-based): chr21:34,792,472, G>C on the plus strand (C>G on the coding strand, the complement: RUNX1 is on the minus strand). VCF-style: chr21-34792472-G-C. GRCh37 (hg19) VCF-style: chr21-36164769-G-C.
Other names: c.1025C>G, p.Ser342Trp (NM_001001890.3); short protein forms S369W, S342W.
Identifiers: ClinVar variation 4825290 (VCV004825290.1).

ClinVar aggregate classification (germline): Uncertain significance (1 of 4 stars; one submission).

Conditions:
Inborn genetic diseases. Identifiers: MedGen C0950123, MeSH D030342.

Submission:

Ambry Genetics
Classification: Uncertain significance for Inborn genetic diseases. Last evaluated: 2026-02-13. Review status: criteria provided, single submitter. Criteria: Ambry Variant Classification Scheme 2023. Collection method: clinical testing. Allele origin: germline.
Comment: The p.S369W variant (also known as c.1106C>G), located in coding exon 8 of the RUNX1 gene, results from a C to G substitution at nucleotide position 1106. The serine at codon 369 is replaced by tryptophan, an amino acid with highly dissimilar properties. This amino acid position is conserved. In addition, this alteration is predicted to be deleterious by in silico analysis. Based on the available evidence, the clinical significance of this variant remains unclear.